The following is an entry in ClinVar:

NM_003839.4(TNFRSF11A):c.1040A>T (p.Asp347Val)

Gene: TNFRSF11A (TNF receptor superfamily member 11a; plus strand). Cytogenetic location: 18q21.33.
Variant type: single nucleotide variant.
Coding change: c.1040A>T on transcript NM_003839.4 (MANE Select); coding-DNA position 1040, A replaced by T.
Protein change: p.Asp347Val; replaces aspartic acid 347 with valine.
Molecular consequence: missense variant. On other transcripts: intron variant (3).
Genome position (GRCh38, 1-based): chr18:62,368,957, A>T. VCF-style: chr18-62368957-A-T. GRCh37 (hg19) VCF-style: chr18-60036190-A-T.
Other names: c.998A>T, p.Asp333Val (NM_001278268.2); c.783+2197A>T (NM_001270949.2); c.730+7164A>T (NM_001270950.2); c.616+8908A>T (NM_001270951.2); short protein forms D333V, D347V.
Identifiers: ClinVar variation 2831804 (VCV002831804.3), dbSNP rs1910305102, ClinGen allele CA402616812.
Genomic context (GRCh38, chr18:62,368,957, plus strand): 5'-TCTCATTGGTCAGCAAGACCGAGATAGAGGAAGACAGCTTCAGACAGATGCCCACAGAAG[A>T]TGAATACATGGACAGGCCCTCCCAGCCCACAGACCAGTTACTGTTCCTCACTGAGCCTGG-3'
Protein context (NP_003830.1, residues 337-357): EDSFRQMPTE[Asp347Val]EYMDRPSQPT

ClinVar aggregate classification (germline): Uncertain significance (1 of 4 stars; one submission).

Allele frequency attached by ClinVar (database versions not stated): TOPMed below 0.00001.
gnomAD v4.1: 1 of 1,614,234 alleles (0.000062%); highest among the groups gnomAD compares: Non-Finnish European, 0.000085%; no homozygotes.

Submission:

Labcorp Genetics (formerly Invitae), Labcorp
Classification: Uncertain significance. Last evaluated: 2024-06-26. Review status: criteria provided, single submitter. Criteria: Invitae Variant Classification Sherloc (09022015). Collection method: clinical testing. Allele origin: germline.
Comment: This sequence change replaces aspartic acid, which is acidic and polar, with valine, which is neutral and non-polar, at codon 347 of the TNFRSF11A protein (p.Asp347Val). This variant is not present in population databases (gnomAD no frequency). This variant has not been reported in the literature in individuals affected with TNFRSF11A-related conditions. An algorithm developed to predict the effect of missense changes on protein structure and function (PolyPhen-2) suggests that this variant is likely to be disruptive. In summary, the available evidence is currently insufficient to determine the role of this variant in disease. Therefore, it has been classified as a Variant of Uncertain Significance.